The following is an entry in ClinVar:

NM_004130.4(GYG1):c.814T>C (p.Ser272Pro)

Gene: GYG1 (glycogenin 1; plus strand). Cytogenetic location: 3q24.
Variant type: single nucleotide variant.
Coding change: c.814T>C on transcript NM_004130.4 (MANE Select); coding-DNA position 814, T replaced by C.
Protein change: p.Ser272Pro; replaces serine 272 with proline.
Molecular consequence: missense variant. On other transcripts: intron variant (1).
Genome position (GRCh38, 1-based): chr3:149,024,258, T>C. VCF-style: chr3-149024258-T-C. GRCh37 (hg19) VCF-style: chr3-148742045-T-C.
Other names: c.814T>C, p.Ser272Pro (NM_001184720.2); c.609-2502T>C (NM_001184721.2); short protein forms S272P.
Identifiers: ClinVar variation 2940275 (VCV002940275.3), dbSNP rs1714532188, ClinGen allele CA354908830.

ClinVar aggregate classification (germline): Uncertain significance (1 of 4 stars; one submission).

Conditions:
Glycogen storage disease XV (GSD15). Also called: GLYCOGENIN DEFICIENCY; GSD XV. Identifiers: Orphanet 263297, MedGen C3150754, MONDO:0013291, OMIM 613507.
Polyglucosan body myopathy type 2. Identifiers: Orphanet 456369, MedGen C4015452, MONDO:0014526, OMIM 616199.

Submission:

Labcorp Genetics (formerly Invitae), Labcorp
Classification: Uncertain significance for Polyglucosan body myopathy type 2; Glycogen storage disease XV. Last evaluated: 2023-04-14. Review status: criteria provided, single submitter. Criteria: Invitae Variant Classification Sherloc (09022015). Collection method: clinical testing. Allele origin: germline.
Comment: This sequence change replaces serine, which is neutral and polar, with proline, which is neutral and non-polar, at codon 272 of the GYG1 protein (p.Ser272Pro). This variant is not present in population databases (gnomAD no frequency). This variant has not been reported in the literature in individuals affected with GYG1-related conditions. Advanced modeling of protein sequence and biophysical properties (such as structural, functional, and spatial information, amino acid conservation, physicochemical variation, residue mobility, and thermodynamic stability) performed at Invitae indicates that this missense variant is not expected to disrupt GYG1 protein function. In summary, the available evidence is currently insufficient to determine the role of this variant in disease. Therefore, it has been classified as a Variant of Uncertain Significance.